The following is an entry in ClinVar:

NM_177438.3(DICER1):c.1669A>G (p.Ile557Val)

Gene: DICER1 (dicer 1, ribonuclease III; minus strand). Cytogenetic location: 14q32.13.
Variant type: single nucleotide variant.
Coding change: c.1669A>G on transcript NM_177438.3 (MANE Select); coding-DNA position 1669, A replaced by G.
Protein change: p.Ile557Val; replaces isoleucine 557 with valine.
Molecular consequence: missense variant.
Genome position (GRCh38, 1-based): chr14:95,116,536, T>C on the plus strand (A>G on the coding strand, the complement: DICER1 is on the minus strand). VCF-style: chr14-95116536-T-C. GRCh37 (hg19) VCF-style: chr14-95582873-T-C.
Other names: c.1669A>G, p.Ile557Val (NM_001195573.1, NM_001271282.3, NM_001291628.2 and 1 more transcripts); short protein forms I557V.
Identifiers: ClinVar variation 572470 (VCV000572470.17), dbSNP rs139198222, ClinGen allele CA7331443.

ClinVar aggregate classification (germline): Uncertain significance. Review status: criteria provided, multiple submitters, no conflicts (2 of 4 stars). 3 submissions from 3 submitters: Uncertain significance (3). Last evaluated 2026-01-12.

Conditions:
Hereditary cancer-predisposing syndrome. Also called: Hereditary neoplastic syndrome; Neoplastic Syndromes, Hereditary; Hereditary Cancer Syndrome; Tumor predisposition. Identifiers: Orphanet 140162, MedGen C0027672, MeSH D009386, MONDO:0015356.
DICER1-related tumor predisposition. Also called: DICER1 syndrome; DICER1-related pleuropulmonary blastoma cancer predisposition syndrome. Identifiers: Orphanet 284343, MedGen C3839822, MONDO:0100216.
Global developmental delay - lung cysts - overgrowth - Wilms tumor syndrome. Also called: GLOBAL DEVELOPMENTAL DELAY, LUNG CYSTS, OVERGROWTH, AND WILMS TUMOR; GLOW Syndrome. Identifiers: Orphanet 404476, MedGen C4748924, MONDO:0018445, OMIM 618272.

Allele frequency attached by ClinVar (database versions not stated): gnomAD exomes below 0.00001; ExAC 0.00001; gnomAD 0.00001; TOPMed 0.00001; ESP Exome Variant Server 0.00008.
gnomAD v4.1: 2 of 1,613,890 alleles (0.00012%); highest among the groups gnomAD compares: African/African-American, 0.0013%; no homozygotes.

Submissions (3):

Labcorp Genetics (formerly Invitae), Labcorp
Classification: Uncertain significance for DICER1-related tumor predisposition. Last evaluated: 2026-01-12. Review status: criteria provided, single submitter. Criteria: Invitae Variant Classification Sherloc (09022015). Collection method: clinical testing. Allele origin: germline.
Comment: This sequence change replaces isoleucine, which is neutral and non-polar, with valine, which is neutral and non-polar, at codon 557 of the DICER1 protein (p.Ile557Val). This variant is present in population databases (rs139198222, gnomAD 0.0009%). This variant has not been reported in the literature in individuals affected with DICER1-related conditions. ClinVar contains an entry for this variant (Variation ID: 572470). Invitae Evidence Modeling of protein sequence and biophysical properties (such as structural, functional, and spatial information, amino acid conservation, physicochemical variation, residue mobility, and thermodynamic stability) indicates that this missense variant is not expected to disrupt DICER1 protein function with a negative predictive value of 95%. In summary, the available evidence is currently insufficient to determine the role of this variant in disease. Therefore, it has been classified as a Variant of Uncertain Significance.

Ambry Genetics
Classification: Uncertain significance for Hereditary cancer-predisposing syndrome. Last evaluated: 2024-12-28. Review status: criteria provided, single submitter. Criteria: Ambry Variant Classification Scheme 2023. Collection method: clinical testing. Allele origin: germline.
Comment: The p.I557V variant (also known as c.1669A>G), located in coding exon 9 of the DICER1 gene, results from an A to G substitution at nucleotide position 1669. The isoleucine at codon 557 is replaced by valine, an amino acid with highly similar properties. This amino acid position is well conserved in available vertebrate species; however, valine is the reference amino acid in other vertebrate species. In addition, this alteration is predicted to be tolerated by in silico analysis. Since supporting evidence is limited at this time, the clinical significance of this alteration remains unclear.

Baylor Genetics
Classification: Uncertain significance for Global developmental delay - lung cysts - overgrowth - Wilms tumor syndrome. Last evaluated: 2023-10-03. Review status: criteria provided, single submitter. Criteria: ACMG Guidelines, 2015. Collection method: clinical testing. Allele origin: unknown.